The following is an entry in ClinVar:

NM_003119.4(SPG7):c.2102A>G (p.His701Arg)

Gene: SPG7 (SPG7 matrix AAA peptidase subunit, paraplegin; plus strand). Cytogenetic location: 16q24.3.
Variant type: single nucleotide variant.
Coding change: c.2102A>G on transcript NM_003119.4 (MANE Select); coding-DNA position 2102, A replaced by G.
Protein change: p.His701Arg; replaces histidine 701 with arginine.
Molecular consequence: missense variant.
Genome position (GRCh38, 1-based): chr16:89,553,959, A>G. VCF-style: chr16-89553959-A-G. GRCh37 (hg19) VCF-style: chr16-89620367-A-G.
Other names: c.2102A>G, p.His701Arg (NM_001363850.1); short protein forms H701R.
Identifiers: ClinVar variation 1357232 (VCV001357232.6), dbSNP rs372180825, ClinGen allele CA286567973.
Genomic context (GRCh38, chr16:89,553,959, plus strand): 5'-AGGGCCTCATGGGCATCGGGCGGCGCCCCTTCAGCCAAGGCCTGCAGCAGATGATGGACC[A>G]TGTGAGTCGGCTCTGGCCACACCGCTGCCCTCTGTGCTCCCCGGGGAGGGAGTCCCTGGG-3'
Protein context (NP_003110.1, residues 691-711): FSQGLQQMMD[His701Arg]EARLLVAKAY

ClinVar aggregate classification (germline): Uncertain significance (1 of 4 stars; one submission).

Conditions:
Hereditary spastic paraplegia 7 (SPG7). Also called: Spastic paraplegia 7; Hereditary spastic paraplegia Paraplegin type; SPASTIC PARAPLEGIA 7, AUTOSOMAL RECESSIVE, WITH OR WITHOUT CEREBELLAR ATAXIA; Autosomal recessive spastic paraplegia type 7; SPG7-related neurologic disorder. Identifiers: Orphanet 99013, MedGen C1846564, MONDO:0011803, OMIM 607259.

Allele frequency attached by ClinVar (database versions not stated): ESP Exome Variant Server 0.00008.
gnomAD v4.1: 4 of 1,610,776 alleles (0.00025%); highest among the groups gnomAD compares: Admixed American, 0.0033%; no homozygotes.

Submission:

Labcorp Genetics (formerly Invitae), Labcorp
Classification: Uncertain significance for Hereditary spastic paraplegia 7. Last evaluated: 2022-08-23. Review status: criteria provided, single submitter. Criteria: Invitae Variant Classification Sherloc (09022015). Collection method: clinical testing. Allele origin: germline.
Comment: This variant is present in population databases (rs372180825, gnomAD 0.006%). This sequence change replaces histidine, which is basic and polar, with arginine, which is basic and polar, at codon 701 of the SPG7 protein (p.His701Arg). This variant has not been reported in the literature in individuals affected with SPG7-related conditions. In summary, the available evidence is currently insufficient to determine the role of this variant in disease. Therefore, it has been classified as a Variant of Uncertain Significance. This variant disrupts the p.His701 amino acid residue in SPG7. Other variant(s) that disrupt this residue have been determined to be pathogenic (PMID: 26756429). This suggests that this residue is clinically significant, and that variants that disrupt this residue are likely to be disease-causing. Algorithms developed to predict the effect of missense changes on protein structure and function (SIFT, PolyPhen-2, Align-GVGD) all suggest that this variant is likely to be tolerated. ClinVar contains an entry for this variant (Variation ID: 1357232).

Literature cited by the submitters: PubMed 26756429.